The following is an entry in ClinVar:

NM_002764.4(PRPS1):c.462G>A (p.Trp154Ter)

Gene: PRPS1 (phosphoribosyl pyrophosphate synthetase 1; plus strand). Cytogenetic location: Xq22.3.
Variant type: single nucleotide variant.
Coding change: c.462G>A on transcript NM_002764.4 (MANE Select); coding-DNA position 462, G replaced by A.
Protein change: p.Trp154Ter; replaces tryptophan 154 with a stop codon.
Molecular consequence: nonsense. On other transcripts: intron variant (1).
Genome position (GRCh38, 1-based): chrX:107,642,422, G>A. VCF-style: chrX-107642422-G-A. GRCh37 (hg19) VCF-style: chrX-106885652-G-A.
Other names: c.-82-2755G>A (NM_001204402.2); short protein forms W154*.
Identifiers: ClinVar variation 2004009 (VCV002004009.4), dbSNP rs2521342044, ClinGen allele CA413809958.

ClinVar aggregate classification (germline): Pathogenic (1 of 4 stars; one submission).

Conditions:
Charcot-Marie-Tooth Neuropathy X. Identifiers: MedGen CN118851.

Submission:

Labcorp Genetics (formerly Invitae), Labcorp
Classification: Pathogenic for Charcot-Marie-Tooth Neuropathy X. Last evaluated: 2022-06-09. Review status: criteria provided, single submitter. Criteria: Invitae Variant Classification Sherloc (09022015). Collection method: clinical testing. Allele origin: germline.
Comment: For these reasons, this variant has been classified as Pathogenic. This variant has not been reported in the literature in individuals affected with PRPS1-related conditions. This variant is not present in population databases (gnomAD no frequency). This sequence change creates a premature translational stop signal (p.Trp154*) in the PRPS1 gene. It is expected to result in an absent or disrupted protein product. Loss-of-function variants in PRPS1 are known to be pathogenic (PMID: 24528855).

Literature cited by the submitters: PubMed 24528855.